The following is an entry in ClinVar:

ClinVar aggregate classification (germline): Pathogenic. Review status: criteria provided, multiple submitters, no conflicts (2 of 4 stars). 9 submissions from 9 submitters: Pathogenic (8). 1 of the submissions does not count toward it. Last evaluated 2025-04-29.

Conditions:
Multiple congenital anomalies/dysmorphic syndrome-intellectual disability. Identifiers: Orphanet 102283, MedGen C5680372, MONDO:0015159.
KAT6B-related disorder. Also called: KAT6B-related disorders; KAT6B-related condition.
Blepharophimosis - intellectual disability syndrome, SBBYS type (SBBYSS). Also called: Young Simpson syndrome; Mental retardation unusual facies hypothyroidism; Say-Barber-Biesecker variant of Ohdo syndrome (SBBYSS); Ohdo syndrome, SBBYS variant; SBBYSS syndrome; Say-Barber-Biesecker-Young-Simpson syndrome. Identifiers: Orphanet 3047, MedGen C1863557, MONDO:0011365, OMIM 603736.
Intellectual disability. Also called: Intellectual functioning disability; intellectual disabilities; Intellectual developmental disorder. Identifiers: MedGen C3714756, MeSH D008607, MONDO:0001071, HP:0001249.

Submissions (9):

3billion
Classification: Pathogenic for KAT6B-related disorder. Last evaluated: 2025-04-29. Review status: criteria provided, single submitter. Criteria: ACMG Guidelines, 2015. Collection method: clinical testing. Allele origin: germline. Affected: yes.
Comment: The variant is not observed in the gnomAD v4.1.0 dataset. Predicted Consequence/Location: Synonymous variant: previously reported to alter splicing from an in vitro assay and reduce expression level of the gene (PMID: 25424711, 26334766). In silico tools predict the variant to alter splicing and produce an abnormal transcript [SpliceAI: 0.97 (spliceogenicity >=0.2, non-spliceogenicity <0.1)]. The variant has been previously reported as de novo in at least two similarly affected unrelated individuals (PMID: 25424711, 35118825). The variant has been observed in at least two similarly affected unrelated individuals (PMID: 25424711, 33726816, 35118825). The variant has been reported at least twice as pathogenic with clinical assertions and evidence for the classification (ClinVar ID: VCV000279815 / 3billion dataset). Therefore, this variant is classified as Pathogenic according to the recommendation of ACMG/AMP guideline.

Blueprint Genetics
Classification: Pathogenic for KAT6B-related disorders. Last evaluated: 2024-08-13. Review status: criteria provided, single submitter. Criteria: ACMG Guidelines, 2015. Collection method: clinical testing. Allele origin: de novo. Affected: yes. Observed: 2 variant alleles.

Kariminejad - Najmabadi Pathology & Genetics Center
Classification: Pathogenic for Blepharophimosis - intellectual disability syndrome, SBBYS type. Last evaluated: 2023-11-11. Review status: criteria provided, single submitter. Criteria: ACMG Guidelines, 2015. Collection method: clinical testing. Allele origin: unknown. Inheritance: Autosomal dominant inheritance. Affected: yes.

Laboratorio de Genetica e Diagnostico Molecular, Hospital Israelita Albert Einstein
Classification: Pathogenic for Blepharophimosis - intellectual disability syndrome, SBBYS type. Last evaluated: 2023-01-20. Review status: criteria provided, single submitter. Criteria: ACMG Guidelines, 2015. Collection method: clinical testing. Allele origin: germline. Affected: yes. Observed: 1 variant allele.
Comment: ACMG classification criteria: PS4 strong, PM2 moderated, PM6 very strong

AURAGEN, Plan France Médecine Génomique
Classification: Pathogenic for Multiple congenital anomalies/dysmorphic syndrome-intellectual disability. Last evaluated: 2022-07-12. Review status: criteria provided, single submitter. Criteria: PFMG2025 (Lancet Reg Health Eur. 2025). Collection method: clinical testing. Allele origin: germline. Affected: yes.

GeneDx
Classification: Pathogenic. Last evaluated: 2022-04-08. Review status: criteria provided, single submitter. Criteria: GeneDx Variant Classification Process June 2021. Collection method: clinical testing. Allele origin: germline. Affected: yes.
Comment: Published functional studies demonstrate aberrant splicing that results in a frameshift followed by a premature termination codon and is subject to partial nonsense-mediated mRNA decay (Yilmaz et al., 2015); Not observed in large population cohorts (gnomAD); This variant is associated with the following publications: (PMID: 26334766, 25424711, 28426343, 33726816, 35118825)

Diagnostic Laboratory, Strasbourg University Hospital
Classification: Pathogenic for Intellectual disability. Last evaluated: 2020-04-20. Review status: criteria provided, single submitter. Criteria: ACMG Guidelines, 2015. Collection method: clinical testing. Allele origin: de novo. Inheritance: Autosomal dominant inheritance. Affected: yes. Observed: 1 heterozygote.

Institute of Human Genetics, University of Leipzig Medical Center
Classification: Pathogenic for Blepharophimosis - intellectual disability syndrome, SBBYS type. Last evaluated: 2016-05-12. Review status: criteria provided, single submitter. Criteria: ACMG Guidelines, 2015. Collection method: clinical testing. Allele origin: de novo. Affected: yes. Observed: 1 variant allele.
Comment: This variant was identified as de novo (maternity and paternity confirmed).

GeneReviews
No classification provided. Condition: Blepharophimosis - intellectual disability syndrome, SBBYS type. Review status: no classification provided. Collection method: literature only. Allele origin: germline. Not counted in ClinVar's aggregate classification.

Literature cited by the submitters: PubMed 26334766 (cited by 3billion and GeneReviews); PubMed 33726816 (cited by 3billion); PubMed 25424711 (cited by 3billion and GeneReviews); PubMed 35118825 (cited by 3billion); PubMed 23236640 (cited by GeneReviews).

NM_012330.4(KAT6B):c.3147G>A (p.Pro1049=)

Gene: KAT6B (lysine acetyltransferase 6B; plus strand). Cytogenetic location: 10q22.2.
Variant type: single nucleotide variant.
Coding change: c.3147G>A on transcript NM_012330.4 (MANE Select); coding-DNA position 3147, G replaced by A.
Protein change: p.Pro1049=; no amino-acid change (proline 1049 retained).
Molecular consequence: synonymous variant.
Genome position (GRCh38, 1-based): chr10:75,022,006, G>A. VCF-style: chr10-75022006-G-A. GRCh37 (hg19) VCF-style: chr10-76781764-G-A.
Other names: c.2598G>A (NM_001256468.1); c.2598G>A, p.Pro866= (NM_001256468.2, NM_001370138.1); c.2271G>A, p.Pro757= (NM_001256469.2, NM_001370139.1, NM_001370140.1 and 2 more transcripts); c.2109G>A, p.Pro703= (NM_001370132.1); c.1458G>A, p.Pro486= (NM_001370133.1); c.1062G>A, p.Pro354= (NM_001370134.1); c.804G>A, p.Pro268= (NM_001370135.1); c.3147G>A, p.Pro1049= (NM_001370136.1, NM_001370137.1); and 1 more.
Identifiers: ClinVar variation 279815 (VCV000279815.14), dbSNP rs886041207, ClinGen allele CA10603048.